The following is an entry in ClinVar:

NM_006059.4(LAMC3):c.1664G>T (p.Gly555Val)

Genes: LAMC3 (laminin subunit gamma 3; plus strand), LOC126860777 (BRD4-independent group 4 enhancer GRCh37_chr9:133927058-133928257; plus strand). Cytogenetic location: 9q34.12.
Variant type: single nucleotide variant.
Coding change: c.1664G>T on transcript NM_006059.4 (MANE Select); coding-DNA position 1664, G replaced by T.
Protein change: p.Gly555Val; replaces glycine 555 with valine.
Molecular consequence: missense variant.
Genome position (GRCh38, 1-based): chr9:131,052,524, G>T. VCF-style: chr9-131052524-G-T. GRCh37 (hg19) VCF-style: chr9-133927911-G-T.
Other names: c.1664G>T (NM_006059.3); short protein forms G555V.
Identifiers: ClinVar variation 3666649 (VCV003666649.3).

ClinVar aggregate classification (germline): Uncertain significance. Review status: criteria provided, multiple submitters, no conflicts (2 of 4 stars). 2 submissions from 2 submitters: Uncertain significance (2). Last evaluated 2025-06-18.

Conditions:
Inborn genetic diseases. Identifiers: MedGen C0950123, MeSH D030342.

gnomAD v4.1: 4 of 1,614,026 alleles (0.00025%); highest among the groups gnomAD compares: East Asian, 0.0089%; no homozygotes.

Submissions (2):

Ambry Genetics
Classification: Uncertain significance for Inborn genetic diseases. Last evaluated: 2025-06-18. Review status: criteria provided, single submitter. Criteria: Ambry Variant Classification Scheme 2023. Collection method: clinical testing. Allele origin: germline.

Labcorp Genetics (formerly Invitae), Labcorp
Classification: Uncertain significance. Last evaluated: 2024-06-05. Review status: criteria provided, single submitter. Criteria: Invitae Variant Classification Sherloc (09022015). Collection method: clinical testing. Allele origin: germline.
Comment: This sequence change replaces glycine, which is neutral and non-polar, with valine, which is neutral and non-polar, at codon 555 of the LAMC3 protein (p.Gly555Val). This variant is present in population databases (rs762811443, gnomAD 0.02%). This variant has not been reported in the literature in individuals affected with LAMC3-related conditions. An algorithm developed to predict the effect of missense changes on protein structure and function (PolyPhen-2) suggests that this variant is likely to be disruptive. In summary, the available evidence is currently insufficient to determine the role of this variant in disease. Therefore, it has been classified as a Variant of Uncertain Significance.